The following is an entry in ClinVar:

ClinVar aggregate classification (germline): Likely benign (1 of 4 stars; one submission).

Allele frequency attached by ClinVar (database versions not stated): 1000 Genomes Project 0.00140; 1000 Genomes Project 30x 0.00141; TOPMed 0.00359; ESP Exome Variant Server 0.00431; ExAC 0.00465; gnomAD 0.00473; gnomAD exomes 0.00633.
gnomAD v4.1: 9,896 of 1,614,098 alleles (0.61%); highest among the groups gnomAD compares: Non-Finnish European, 0.69%; 45 homozygotes.

Submission:

CeGaT Center for Human Genetics Tuebingen
Classification: Likely benign. Last evaluated: 2023-03-01. Review status: criteria provided, single submitter. Criteria: CeGaT Center For Human Genetics Tuebingen Variant Classification Criteria Version 2. Collection method: clinical testing. Allele origin: germline. Affected: yes. Observed: 1 variant allele.
Comment: CHRNA9: BP4, BP7, BS2

NM_017581.4(CHRNA9):c.675G>A (p.Pro225=)

Gene: CHRNA9 (cholinergic receptor nicotinic alpha 9 subunit; plus strand). Cytogenetic location: 4p14.
Variant type: single nucleotide variant.
Coding change: c.675G>A on transcript NM_017581.4 (MANE Select); coding-DNA position 675, G replaced by A.
Protein change: p.Pro225=; no amino-acid change (proline 225 retained).
Molecular consequence: synonymous variant.
Genome position (GRCh38, 1-based): chr4:40,349,191, G>A. VCF-style: chr4-40349191-G-A. GRCh37 (hg19) VCF-style: chr4-40351208-G-A.
Identifiers: ClinVar variation 2654736 (VCV002654736.24), dbSNP rs55665751, ClinGen allele CA2898023.